The following is an entry in ClinVar:

ClinVar aggregate classification (germline): Uncertain significance. Review status: criteria provided, multiple submitters, no conflicts (2 of 4 stars). 2 submissions from 2 submitters: Uncertain significance (2). Last evaluated 2024-01-09.

Conditions:
Ehlers-Danlos syndrome, type 4 (EDSVASC). Also called: Ehlers-Danlos syndrome vascular type; Ehlers Danlos syndrome, ecchymotic type; Ehlers Danlos syndrome, arterial type; Ehlers Danlos syndrome, Sack-Barabas type; Ehlers-Danlos Syndrome Type IV. Identifiers: Orphanet 286, MedGen C0268338, MONDO:0017314, OMIM 130050.

Submissions (2):

Labcorp Genetics (formerly Invitae), Labcorp
Classification: Uncertain significance for Ehlers-Danlos syndrome, type 4. Last evaluated: 2024-01-09. Review status: criteria provided, single submitter. Criteria: Invitae Variant Classification Sherloc (09022015). Collection method: clinical testing. Allele origin: germline.
Comment: This sequence change replaces proline, which is neutral and non-polar, with serine, which is neutral and polar, at codon 365 of the COL3A1 protein (p.Pro365Ser). This variant is not present in population databases (gnomAD no frequency). This variant has not been reported in the literature in individuals affected with COL3A1-related conditions. ClinVar contains an entry for this variant (Variation ID: 1902842). Advanced modeling of protein sequence and biophysical properties (such as structural, functional, and spatial information, amino acid conservation, physicochemical variation, residue mobility, and thermodynamic stability) performed at Invitae indicates that this missense variant is not expected to disrupt COL3A1 protein function with a negative predictive value of 95%. In summary, the available evidence is currently insufficient to determine the role of this variant in disease. Therefore, it has been classified as a Variant of Uncertain Significance.

All of Us Research Program, National Institutes of Health
Classification: Uncertain significance for Ehlers-Danlos syndrome, type 4. Last evaluated: 2023-03-28. Review status: criteria provided, single submitter. Criteria: ACMG Guidelines, 2015. Collection method: clinical testing. Allele origin: germline. Inheritance: Autosomal dominant inheritance. Observed: 1 variant allele, 1 heterozygote.
Comment: This study involves interpretation of variants in research participants for the purpose of population health screening. Participant phenotype was not available at the time of variant classification. Additional details can be found in publication PMID: 35346344, PMCID: PMC8962531

NM_000090.4(COL3A1):c.1093C>T (p.Pro365Ser)

Gene: COL3A1 (collagen type III alpha 1 chain; plus strand). Cytogenetic location: 2q32.2.
Variant type: single nucleotide variant.
Coding change: c.1093C>T on transcript NM_000090.4 (MANE Select); coding-DNA position 1093, C replaced by T.
Protein change: p.Pro365Ser; replaces proline 365 with serine.
Molecular consequence: missense variant.
Genome position (GRCh38, 1-based): chr2:188,993,403, C>T. VCF-style: chr2-188993403-C-T. GRCh37 (hg19) VCF-style: chr2-189858129-C-T.
Other names: short protein forms P365S.
Identifiers: ClinVar variation 1902842 (VCV001902842.6), dbSNP rs1688229671, ClinGen allele CA349850902.